The following is an entry in ClinVar:

NM_198994.3(TGM6):c.1093+5G>A

Gene: TGM6 (transglutaminase 6; plus strand). Cytogenetic location: 20p13.
Variant type: single nucleotide variant.
Coding change: c.1093+5G>A on transcript NM_198994.3 (MANE Select); 5 bases into the intron after coding-DNA position 1093, G replaced by A.
Molecular consequence: intron variant.
Genome position (GRCh38, 1-based): chr20:2,403,505, G>A. VCF-style: chr20-2403505-G-A. GRCh37 (hg19) VCF-style: chr20-2384151-G-A.
Other names: c.1093+5G>A (NM_001254734.2).
Identifiers: ClinVar variation 337920 (VCV000337920.17), dbSNP rs6137891, ClinGen allele CA9731957.
Genomic context (GRCh38, chr20:2,403,505, plus strand): 5'-CCCCTCTTACAATGGCTGGCAGGTTCTGGATGCCACCCCCCAGGAGGAGAGTGAAGGTAC[G>A]CTCAATTGGGTGGGGTAAGTTCCAGACCCCTGCTTTTCCTTACCCATGCTGCTCATGCCC-3'

ClinVar aggregate classification (germline): Benign. Review status: criteria provided, multiple submitters, no conflicts (2 of 4 stars). 8 submissions from 8 submitters: Benign (6). 2 of the submissions do not count toward it. Last evaluated 2026-02-01.

Conditions:
Spinocerebellar ataxia type 35. Identifiers: Orphanet 276193, MedGen C3888031, MONDO:0013485, OMIM 613908.

Allele frequency attached by ClinVar (database versions not stated): TOPMed 0.08310; gnomAD 0.08312 and 0.07885; gnomAD exomes 0.08963 and 0.07274; ExAC 0.09170; 1000 Genomes Project 30x 0.12883; 1000 Genomes Project 0.12999; ESP Exome Variant Server 0.07589.
gnomAD v4.1: 119,526 of 1,613,986 alleles (7.4%); highest among the groups gnomAD compares: East Asian, 24%; 5,824 homozygotes.

Submissions (8):

Labcorp Genetics (formerly Invitae), Labcorp
Classification: Benign. Last evaluated: 2026-02-01. Review status: criteria provided, single submitter. Criteria: Invitae Variant Classification Sherloc (09022015). Collection method: clinical testing. Allele origin: germline.

Mayo Clinic Laboratories, Mayo Clinic
Classification: Benign. Last evaluated: 2022-03-24. Review status: criteria provided, single submitter. Criteria: ACMG Guidelines, 2015. Collection method: clinical testing. Allele origin: germline. Observed: 46 variant alleles.

Genome-Nilou Lab
Classification: Benign for Spinocerebellar ataxia type 35. Last evaluated: 2021-09-10. Review status: criteria provided, single submitter. Criteria: ACMG Guidelines, 2015. Collection method: clinical testing. Allele origin: germline. Affected: no.

GeneDx
Classification: Benign. Last evaluated: 2021-05-05. Review status: criteria provided, single submitter. Criteria: GeneDx Variant Classification Process June 2021. Collection method: clinical testing. Allele origin: germline. Affected: yes.

Illumina Laboratory Services, Illumina
Classification: Benign for Spinocerebellar ataxia type 35. Last evaluated: 2018-01-12. Review status: criteria provided, single submitter. Criteria: ICSL Variant Classification Criteria 13 December 2019. Collection method: clinical testing. Allele origin: germline.
Comment: This variant was observed in the ICSL laboratory as part of a predisposition screen in an ostensibly healthy population. It had not been previously curated by ICSL or reported in the Human Gene Mutation Database (HGMD: prior to June 1st, 2018), and was therefore a candidate for classification through an automated scoring system. Utilizing variant allele frequency, disease prevalence and penetrance estimates, and inheritance mode, an automated score was calculated to assess if this variant is too frequent to cause the disease. Based on the score and internal cut-off values, a variant classified as benign is not then subjected to further curation. The score for this variant resulted in a classification of benign for this disease.

Breakthrough Genomics
Classification: Benign. Review status: criteria provided, single submitter. Criteria: ACMG Guidelines, 2015. Collection method: not provided. Allele origin: germline. Inheritance: Autosomal dominant inheritance. Affected: yes.

Clinical Genetics DNA and cytogenetics Diagnostics Lab, Erasmus MC, Erasmus Medical Center
Classification: Benign. Review status: no assertion criteria provided. Collection method: clinical testing. Allele origin: germline. Affected: yes. Study: VKGL Data-share Consensus. Not counted in ClinVar's aggregate classification.

Joint Genome Diagnostic Labs from Nijmegen and Maastricht, Radboudumc and MUMC+
Classification: Benign. Review status: no assertion criteria provided. Collection method: clinical testing. Allele origin: germline. Affected: yes. Study: VKGL Data-share Consensus. Not counted in ClinVar's aggregate classification.